The following is an entry in ClinVar:

NM_000548.5(TSC2):c.5186G>C (p.Arg1729Pro)

Gene: TSC2 (TSC complex subunit 2; plus strand). Cytogenetic location: 16p13.3.
Variant type: single nucleotide variant.
Coding change: c.5186G>C on transcript NM_000548.5 (MANE Select); coding-DNA position 5186, G replaced by C.
Protein change: p.Arg1729Pro; replaces arginine 1729 with proline.
Molecular consequence: missense variant. On other transcripts: non-coding transcript variant (5).
Genome position (GRCh38, 1-based): chr16:2,088,252, G>C. VCF-style: chr16-2088252-G-C. GRCh37 (hg19) VCF-style: chr16-2138253-G-C.
Other names: c.4985G>C, p.Arg1662Pro (NM_001077183.3); c.5117G>C, p.Arg1706Pro (NM_001114382.3); c.4877G>C, p.Arg1626Pro (NM_001318827.2); c.4841G>C, p.Arg1614Pro (NM_001318829.2); c.4454G>C, p.Arg1485Pro (NM_001318831.2); c.5018G>C, p.Arg1673Pro (NM_001318832.2); c.4988G>C, p.Arg1663Pro (NM_001363528.2); c.5054G>C, p.Arg1685Pro (NM_001370404.1); and 27 more; short protein forms R1238P, R1505P, R1529P, R1613P, R1643P, R1659P, R1692P, R1214P.
Identifiers: ClinVar variation 4826472 (VCV004826472.1).

ClinVar aggregate classification (germline): Uncertain significance (1 of 4 stars; one submission).

Conditions:
Hereditary cancer-predisposing syndrome. Also called: Neoplastic Syndromes, Hereditary; Tumor predisposition; Hereditary Cancer Syndrome; Hereditary neoplastic syndrome. Identifiers: Orphanet 140162, MedGen C0027672, MeSH D009386, MONDO:0015356.

gnomAD v4.1: 1 of 1,603,728 alleles (0.000062%); highest among the groups gnomAD compares: Middle Eastern, 0.017%; no homozygotes.

Submission:

Ambry Genetics
Classification: Uncertain significance for Hereditary cancer-predisposing syndrome. Last evaluated: 2026-03-09. Review status: criteria provided, single submitter. Criteria: Ambry Variant Classification Scheme 2023. Collection method: clinical testing. Allele origin: germline.
Comment: The p.R1729P variant (also known as c.5186G>C), located in coding exon 40 of the TSC2 gene, results from a G to C substitution at nucleotide position 5186. The arginine at codon 1729 is replaced by proline, an amino acid with dissimilar properties. This amino acid position is conserved. In addition, this alteration is predicted to be deleterious by in silico analysis. Based on the available evidence, the clinical significance of this variant remains unclear.